The following is an entry in ClinVar:

NM_005222.4(DLX6):c.105G>A (p.Gln35=)

Genes: DLX6 (distal-less homeobox 6; plus strand), DLX6-AS1 (DLX6 antisense RNA 1; minus strand). Cytogenetic location: 7q21.3.
Variant type: single nucleotide variant.
Coding change: c.105G>A on transcript NM_005222.4 (MANE Select); coding-DNA position 105, G replaced by A.
Protein change: p.Gln35=; no amino-acid change (glutamine 35 retained).
Molecular consequence: synonymous variant.
Genome position (GRCh38, 1-based): chr7:97,006,082, G>A. VCF-style: chr7-97006082-G-A. GRCh37 (hg19) VCF-style: chr7-96635394-G-A.
Identifiers: ClinVar variation 1561703 (VCV001561703.31), dbSNP rs769073304, ClinGen allele CA4353707.

ClinVar aggregate classification (germline): Likely benign. Review status: criteria provided, multiple submitters, no conflicts (2 of 4 stars). 2 submissions from 2 submitters: Likely benign (2). Last evaluated 2024-10-22.

Allele frequency attached by ClinVar (database versions not stated): gnomAD exomes below 0.00001 and 0.00001.

Submissions (2):

Labcorp Genetics (formerly Invitae), Labcorp
Classification: Likely benign. Last evaluated: 2024-10-22. Review status: criteria provided, single submitter. Criteria: Invitae Variant Classification Sherloc (09022015). Collection method: clinical testing. Allele origin: germline.

CeGaT Center for Human Genetics Tuebingen
Classification: Likely benign. Last evaluated: 2023-07-01. Review status: criteria provided, single submitter. Criteria: CeGaT Center For Human Genetics Tuebingen Variant Classification Criteria Version 2. Collection method: clinical testing. Allele origin: germline. Affected: yes. Observed: 1 variant allele.
Comment: DLX6: BP4, BP7